The following is an entry in ClinVar:

NM_000193.4(SHH):c.1210G>A (p.Gly404Arg)

Gene: SHH (sonic hedgehog signaling molecule; minus strand). Cytogenetic location: 7q36.3.
Variant type: single nucleotide variant.
Coding change: c.1210G>A on transcript NM_000193.4 (MANE Select); coding-DNA position 1210, G replaced by A.
Protein change: p.Gly404Arg; replaces glycine 404 with arginine.
Molecular consequence: missense variant. On other transcripts: intron variant (1).
Genome position (GRCh38, 1-based): chr7:155,803,079, C>T on the plus strand (G>A on the coding strand, the complement: SHH is on the minus strand). VCF-style: chr7-155803079-C-T. GRCh37 (hg19) VCF-style: chr7-155595773-C-T.
Other names: c.302-2834G>A (NM_001310462.2); short protein forms G404R.
Identifiers: ClinVar variation 1303977 (VCV001303977.11), dbSNP rs1803237255, ClinGen allele CA370144608.
Genomic context (GRCh38, chr7:155,803,079, plus strand): 5'-GAGCGTCGGCAGCACCTGGAGCGGTTAGGGCTACTCTGCCGCCGCCGCCCCCGCGGTCCC[C>T]GCCGCCGCTGTCCCCGCCGCGGTCCGTGCGCGCGGGCGCCAGTGCAGCCAGGAGCGCGTG-3'
Protein context (NP_000184.1, residues 394-414): RTDRGGDSGG[Gly404Arg]DRGGGGGRVA

ClinVar aggregate classification (germline): Uncertain significance. Review status: criteria provided, multiple submitters, no conflicts (2 of 4 stars). 4 submissions from 4 submitters: Uncertain significance (4). Last evaluated 2025-12-02.

Conditions:
Holoprosencephaly 3 (HPE3). Identifiers: Orphanet 2162, MedGen C1840529, MONDO:0007733, OMIM 142945.
Inborn genetic diseases. Identifiers: MedGen C0950123, MeSH D030342.

Allele frequency attached by ClinVar (database versions not stated): TOPMed below 0.00001; gnomAD 0.00001.

Submissions (4):

Women's Health and Genetics/Laboratory Corporation of America, LabCorp
Classification: Uncertain significance. Last evaluated: 2025-12-02. Review status: criteria provided, single submitter. Criteria: LabCorp Variant Classification Summary - May 2015. Collection method: clinical testing. Allele origin: germline.
Comment: Variant summary: SHH c.1210G>A (p.Gly404Arg) results in a non-conservative amino acid change in the encoded protein sequence. Algorithms developed to predict the effect of missense changes on protein structure and function are either unavailable or do not agree on the potential impact of this missense change. The variant was absent in 30750 control chromosomes. The available data on variant occurrences in the general population are insufficient to allow any conclusion about variant significance. To our knowledge, no occurrence of c.1210G>A in individuals affected with SHH-related conditions and no experimental evidence demonstrating its impact on protein function have been reported. ClinVar contains an entry for this variant (Variation ID: 1303977). Based on the evidence outlined above, the variant was classified as uncertain significance.

Ambry Genetics
Classification: Uncertain significance for Inborn genetic diseases. Last evaluated: 2022-03-31. Review status: criteria provided, single submitter. Criteria: Ambry Variant Classification Scheme 2023. Collection method: clinical testing. Allele origin: germline.

Labcorp Genetics (formerly Invitae), Labcorp
Classification: Uncertain significance for Holoprosencephaly 3. Last evaluated: 2021-04-08. Review status: criteria provided, single submitter. Criteria: Invitae Variant Classification Sherloc (09022015). Collection method: clinical testing. Allele origin: germline.
Comment: In summary, the available evidence is currently insufficient to determine the role of this variant in disease. Therefore, it has been classified as a Variant of Uncertain Significance. Algorithms developed to predict the effect of missense changes on protein structure and function are either unavailable or do not agree on the potential impact of this missense change (SIFT: "Deleterious"; PolyPhen-2: "Not Available"; Align-GVGD: "Class C0"). This variant has not been reported in the literature in individuals with SHH-related conditions. The frequency data for this variant in the population databases is considered unreliable, as metrics indicate insufficient coverage at this position in the ExAC database. This sequence change replaces glycine with arginine at codon 404 of the SHH protein (p.Gly404Arg). The glycine residue is weakly conserved and there is a moderate physicochemical difference between glycine and arginine.

GeneDx
Classification: Uncertain significance. Last evaluated: 2020-06-15. Review status: criteria provided, single submitter. Criteria: GeneDx Variant Classification Process June 2021. Collection method: clinical testing. Allele origin: germline. Affected: yes.
Comment: Not observed in large population cohorts (Lek et al., 2016); In silico analysis supports that this missense variant does not alter protein structure/function; Has not been previously published as pathogenic or benign to our knowledge